The following is an entry in ClinVar:

NM_002691.4(POLD1):c.2644G>T (p.Val882Phe)

Gene: POLD1 (DNA polymerase delta 1, catalytic subunit; plus strand). Cytogenetic location: 19q13.33.
Variant type: single nucleotide variant.
Coding change: c.2644G>T on transcript NM_002691.4 (MANE Select); coding-DNA position 2644, G replaced by T.
Protein change: p.Val882Phe; replaces valine 882 with phenylalanine.
Molecular consequence: missense variant. On other transcripts: non-coding transcript variant (1).
Genome position (GRCh38, 1-based): chr19:50,415,517, G>T. VCF-style: chr19-50415517-G-T. GRCh37 (hg19) VCF-style: chr19-50918774-G-T.
Other names: c.2644G>T, p.Val882Phe (NM_001256849.1, NM_001438212.1, NM_001438213.1); c.2722G>T, p.Val908Phe (NM_001308632.1); c.2572G>T, p.Val858Phe (NM_001438210.1, NM_001438211.1); short protein forms V858F, V908F, V882F.
Identifiers: ClinVar variation 5026998 (VCV005026998.1).

ClinVar aggregate classification (germline): Uncertain significance (1 of 4 stars; one submission).

Conditions:
Hereditary cancer-predisposing syndrome. Also called: Neoplastic Syndromes, Hereditary; Tumor predisposition; Hereditary neoplastic syndrome; Hereditary Cancer Syndrome. Identifiers: Orphanet 140162, MedGen C0027672, MeSH D009386, MONDO:0015356.

Submission:

Ambry Genetics
Classification: Uncertain significance for Hereditary cancer-predisposing syndrome. Last evaluated: 2026-08-08. Review status: criteria provided, single submitter. Criteria: Ambry Variant Classification Scheme 2023. Collection method: clinical testing. Allele origin: germline.
Comment: The p.V882F variant (also known as c.2644G>T), located in coding exon 20 of the POLD1 gene, results from a G to T substitution at nucleotide position 2644. The valine at codon 882 is replaced by phenylalanine, an amino acid with highly similar properties. This amino acid position is conserved. In addition, the in silico prediction for this alteration is inconclusive. Based on the available evidence, the clinical significance of this variant remains unclear.